The following is an entry in ClinVar:

NM_001267550.2(TTN):c.75139G>T (p.Glu25047Ter)

Genes: TTN-AS1 (TTN antisense RNA 1; plus strand), TTN (titin; minus strand). Cytogenetic location: 2q31.2.
Variant type: single nucleotide variant.
Coding change: c.75139G>T on transcript NM_001267550.2 (MANE Select); coding-DNA position 75139, G replaced by T.
Protein change: p.Glu25047Ter; replaces glutamic acid 25047 with a stop codon.
Molecular consequence: nonsense.
Genome position (GRCh38, 1-based): chr2:178,570,993, C>A on the plus strand (G>T on the coding strand, the complement: TTN is on the minus strand). VCF-style: chr2-178570993-C-A. GRCh37 (hg19) VCF-style: chr2-179435720-C-A.
Other names: c.70216G>T, p.Glu23406Ter (NM_001256850.1); c.47944G>T, p.Glu15982Ter (NM_003319.4); c.67435G>T, p.Glu22479Ter (NM_133378.4); c.48319G>T, p.Glu16107Ter (NM_133432.3); c.48520G>T, p.Glu16174Ter (NM_133437.4); short protein forms E16107*, E22479*, E23406*, E25047*, E15982*, E16174*.
Identifiers: ClinVar variation 2942287 (VCV002942287.3), dbSNP rs1707989337, ClinGen allele CA349628688.
Genomic context (GRCh38, chr2:178,570,993, plus strand): 5'-CAAAATGAGTGTCAATAATATTTGTAAAACTGGCTTTCATCCAACGGCCCTCAGGTAATT[C>A]TTTCTTCTCAACAATATAACCAGTGATCTTGCTTCCACCGTCATAGGTGGGTTTCTTCCA-3'

ClinVar aggregate classification (germline): Likely pathogenic (1 of 4 stars; one submission).

Conditions:
Dilated cardiomyopathy 1G (CMD1G). Identifiers: Orphanet 154, MedGen C1858763, MONDO:0011400, OMIM 604145.
Autosomal recessive limb-girdle muscular dystrophy type 2J (LGMDR10). Also called: MUSCULAR DYSTROPHY, LIMB-GIRDLE, AUTOSOMAL RECESSIVE 10; Limb-girdle muscular dystrophy, type 2J. Identifiers: Orphanet 140922, MedGen C1837342, MONDO:0012127, OMIM 608807.

Allele frequency attached by ClinVar (database versions not stated): TOPMed below 0.00001.

Submission:

Labcorp Genetics (formerly Invitae), Labcorp
Classification: Likely pathogenic for Dilated cardiomyopathy 1G; Autosomal recessive limb-girdle muscular dystrophy type 2J. Last evaluated: 2024-04-04. Review status: criteria provided, single submitter. Criteria: Invitae Variant Classification Sherloc (09022015). Collection method: clinical testing. Allele origin: germline.
Comment: This sequence change creates a premature translational stop signal (p.Glu25047*) in the TTN gene. While this is not anticipated to result in nonsense mediated decay, it is expected to create a truncated TTN protein. This variant is not present in population databases (gnomAD no frequency). This variant has not been reported in the literature in individuals affected with TTN-related conditions. This variant is located in the A band of TTN (PMID: 25589632). Truncating variants in this region are significantly overrepresented in patients affected with dilated cardiomyopathy (PMID: 25589632). Truncating variants in this region have also been reported in individuals affected with autosomal recessive centronuclear myopathy (PMID: 23975875). In summary, the currently available evidence indicates that the variant is pathogenic, but additional data are needed to prove that conclusively. Therefore, this variant has been classified as Likely Pathogenic.

Literature cited by the submitters: PubMed 25589632; PubMed 23975875.